The following is an entry in ClinVar:

NM_006514.4(SCN10A):c.1169A>G (p.Asn390Ser)

Gene: SCN10A (sodium voltage-gated channel alpha subunit 10; minus strand). Cytogenetic location: 3p22.2.
Variant type: single nucleotide variant.
Coding change: c.1169A>G on transcript NM_006514.4 (MANE Select); coding-DNA position 1169, A replaced by G.
Protein change: p.Asn390Ser; replaces asparagine 390 with serine.
Molecular consequence: missense variant.
Genome position (GRCh38, 1-based): chr3:38,756,795, T>C on the plus strand (A>G on the coding strand, the complement: SCN10A is on the minus strand). VCF-style: chr3-38756795-T-C. GRCh37 (hg19) VCF-style: chr3-38798286-T-C.
Other names: c.1169A>G, p.Asn390Ser (NM_001293306.2, NM_001293307.2); short protein forms N390S.
Identifiers: ClinVar variation 1392342 (VCV001392342.6), dbSNP rs2126028249, ClinGen allele CA352169822.

ClinVar aggregate classification (germline): Uncertain significance (1 of 4 stars; one submission).

Conditions:
Brugada syndrome. Also called: Sudden Unexplained Death Syndrome; Sudden Unexplained Nocturnal Death Syndrome (SUNDS); Sudden unexpected nocturnal death syndrome; Sudden unexplained nocturnal death syndrome. Identifiers: Orphanet 130, MedGen C1142166, MONDO:0015263.

Submission:

Labcorp Genetics (formerly Invitae), Labcorp
Classification: Uncertain significance for Brugada syndrome. Last evaluated: 2022-07-19. Review status: criteria provided, single submitter. Criteria: Invitae Variant Classification Sherloc (09022015). Collection method: clinical testing. Allele origin: germline.
Comment: ClinVar contains an entry for this variant (Variation ID: 1392342). In summary, the available evidence is currently insufficient to determine the role of this variant in disease. Therefore, it has been classified as a Variant of Uncertain Significance. Algorithms developed to predict the effect of sequence changes on RNA splicing suggest that this variant may disrupt the consensus splice site. Advanced modeling of protein sequence and biophysical properties (such as structural, functional, and spatial information, amino acid conservation, physicochemical variation, residue mobility, and thermodynamic stability) performed at Invitae indicates that this missense variant is expected to disrupt SCN10A protein function. This variant has not been reported in the literature in individuals affected with SCN10A-related conditions. This variant is not present in population databases (gnomAD no frequency). This sequence change replaces asparagine, which is neutral and polar, with serine, which is neutral and polar, at codon 390 of the SCN10A protein (p.Asn390Ser).